The following is an entry in ClinVar:

ClinVar aggregate classification (germline): Uncertain significance. Review status: criteria provided, multiple submitters, no conflicts (2 of 4 stars). 2 submissions from 2 submitters: Uncertain significance (2). Last evaluated 2025-10-23.

Conditions:
RASopathy. Also called: rasopathies; Noonan spectrum disorder. Identifiers: Orphanet 536391, MedGen C5555857, MONDO:0021060.
Cardiovascular phenotype. Identifiers: MedGen CN230736.

gnomAD v4.1: 1 of 1,614,206 alleles (0.000062%); no homozygotes.

Submissions (2):

Labcorp Genetics (formerly Invitae), Labcorp
Classification: Uncertain significance for RASopathy. Last evaluated: 2025-10-23. Review status: criteria provided, single submitter. Criteria: Invitae Variant Classification Sherloc (09022015). Collection method: clinical testing. Allele origin: germline.
Comment: This sequence change replaces alanine, which is neutral and non-polar, with valine, which is neutral and non-polar, at codon 853 of the CBL protein (p.Ala853Val). This variant is not present in population databases (gnomAD no frequency). This variant has not been reported in the literature in individuals affected with CBL-related conditions. ClinVar contains an entry for this variant (Variation ID: 1793035). Invitae Evidence Modeling of protein sequence and biophysical properties (such as structural, functional, and spatial information, amino acid conservation, physicochemical variation, residue mobility, and thermodynamic stability) indicates that this missense variant is not expected to disrupt CBL protein function with a negative predictive value of 95%. In summary, the available evidence is currently insufficient to determine the role of this variant in disease. Therefore, it has been classified as a Variant of Uncertain Significance.

Ambry Genetics
Classification: Uncertain significance for Cardiovascular phenotype. Last evaluated: 2021-07-15. Review status: criteria provided, single submitter. Criteria: Ambry Variant Classification Scheme 2023. Collection method: clinical testing. Allele origin: germline.
Comment: The p.A853V variant (also known as c.2558C>T), located in coding exon 16 of the CBL gene, results from a C to T substitution at nucleotide position 2558. The alanine at codon 853 is replaced by valine, an amino acid with similar properties. This amino acid position is conserved. In addition, this alteration is predicted to be tolerated by in silico analysis. Since supporting evidence is limited at this time, the clinical significance of this alteration remains unclear.

NM_005188.4(CBL):c.2558C>T (p.Ala853Val)

Gene: CBL (Cbl proto-oncogene; plus strand). Cytogenetic location: 11q23.3.
Variant type: single nucleotide variant.
Coding change: c.2558C>T on transcript NM_005188.4 (MANE Select); coding-DNA position 2558, C replaced by T.
Protein change: p.Ala853Val; replaces alanine 853 with valine.
Molecular consequence: missense variant.
Genome position (GRCh38, 1-based): chr11:119,299,618, C>T. VCF-style: chr11-119299618-C-T. GRCh37 (hg19) VCF-style: chr11-119170328-C-T.
Other names: short protein forms A853V.
Identifiers: ClinVar variation 1793035 (VCV001793035.7), dbSNP rs2496975966, ClinGen allele CA382932638.